The following is an entry in ClinVar:

NM_005045.4(RELN):c.3346C>T (p.Gln1116Ter)

Gene: RELN (reelin; minus strand). Cytogenetic location: 7q22.1.
Variant type: single nucleotide variant.
Coding change: c.3346C>T on transcript NM_005045.4 (MANE Select); coding-DNA position 3346, C replaced by T.
Protein change: p.Gln1116Ter; replaces glutamine 1116 with a stop codon.
Molecular consequence: nonsense.
Genome position (GRCh38, 1-based): chr7:103,596,649, G>A on the plus strand (C>T on the coding strand, the complement: RELN is on the minus strand). VCF-style: chr7-103596649-G-A. GRCh37 (hg19) VCF-style: chr7-103237096-G-A.
Other names: c.3346C>T, p.Gln1116Ter (NM_173054.3); short protein forms Q1116*.
Identifiers: ClinVar variation 2941415 (VCV002941415.3), dbSNP rs1831543477, ClinGen allele CA368761281.

ClinVar aggregate classification (germline): Pathogenic (1 of 4 stars; one submission).

Conditions:
Norman-Roberts syndrome (LIS2). Also called: Lissencephaly 2 (Norman-Roberts type). Identifiers: Orphanet 89844, MedGen C0796089, MONDO:0009760, OMIM 257320.
Familial temporal lobe epilepsy 7. Identifiers: Orphanet 101046, MedGen C4225327, MONDO:0014639, OMIM 616436.

Allele frequency attached by ClinVar (database versions not stated): TOPMed below 0.00001.

Submission:

Labcorp Genetics (formerly Invitae), Labcorp
Classification: Pathogenic for Familial temporal lobe epilepsy 7; Norman-Roberts syndrome. Last evaluated: 2023-06-18. Review status: criteria provided, single submitter. Criteria: Invitae Variant Classification Sherloc (09022015). Collection method: clinical testing. Allele origin: germline.
Comment: For these reasons, this variant has been classified as Pathogenic. This variant has not been reported in the literature in individuals affected with RELN-related conditions. This variant is not present in population databases (gnomAD no frequency). This sequence change creates a premature translational stop signal (p.Gln1116*) in the RELN gene. It is expected to result in an absent or disrupted protein product. Loss-of-function variants in RELN are known to be pathogenic (PMID: 10973257, 26046367, 28454995).

Literature cited by the submitters: PubMed 10973257; PubMed 26046367; PubMed 28454995.